The following is an entry in ClinVar:

GRCh38/hg38 22q11.21(chr22:18339130-21107522)x1

Genes: LRRC74B (leucine rich repeat containing 74B; plus strand), LRRC74BNL (LRRC74B N-terminal like; minus strand), LZTR1 (leucine zipper like post translational regulator 1; plus strand), MED15 (mediator complex subunit 15; plus strand), MIR1286 (microRNA 1286; minus strand) and 185 more. Cytogenetic location: 22q11.21.
Variant type: copy number loss.
Change: copy number 1 (one copy instead of two) of chr22:18,339,130-21,107,522 (2.77 Mb, GRCh38 coordinates, 1-based), cytogenetic band 22q11.21.
Identifiers: ClinVar variation 57572 (VCV000057572.2).

ClinVar aggregate classification (germline): Pathogenic (1 of 4 stars; one submission).

Submission:

ISCA Site 6
Classification: Pathogenic. Last evaluated: 2011-08-12. Review status: criteria provided, single submitter. Criteria: Kaminsky et al. (Genet Med. 2011). Collection method: clinical testing. Allele origin: unknown. Affected: yes. Observed: 1 variant allele.
Comment: Copy number variation identified through the course of routine clinical cytogenomic testing in postnatal populations. Clinical assertions have been curated as described in Kaminsky et al. 2011.